The following is an entry in ClinVar:

NM_024411.5(PDYN):c.*231C>G

Genes: PDYN (prodynorphin; minus strand), PDYN-AS1 (PDYN antisense RNA 1; plus strand). Cytogenetic location: 20p13.
Variant type: single nucleotide variant.
Coding change: c.*231C>G on transcript NM_024411.5 (MANE Select); 231 bases downstream of the stop codon, C replaced by G.
Molecular consequence: 3 prime UTR variant.
Genome position (GRCh38, 1-based): chr20:1,980,092, G>C on the plus strand (C>G on the coding strand, the complement: PDYN is on the minus strand). VCF-style: chr20-1980092-G-C. GRCh37 (hg19) VCF-style: chr20-1960738-G-C.
Other names: c.*231C>G (NM_001190892.1, NM_001190898.3, NM_001190899.2 and 1 more transcripts).
Identifiers: ClinVar variation 337831 (VCV000337831.36), dbSNP rs565210312, ClinGen allele CA10652392.
Genomic context (GRCh38, chr20:1,980,092, plus strand): 5'-TCACAAACTGCTGCTGCTGCTGCTGCTGCCGCTGCTGATAGTTTTAGAGTCTAGGTGTCT[G>C]AGCCAAGCACTAAGCCTATTGTGGGGAAGGGACATCCACCCTTCCCCATCACAGACCCCA-3'

ClinVar aggregate classification (germline): Conflicting classifications of pathogenicity. Review status: criteria provided, conflicting classifications (1 of 4 stars). 2 submissions from 2 submitters: Uncertain significance (1); Benign (1). Last evaluated 2022-06-01.

Conditions:
Spinocerebellar ataxia type 23 (SCA23). Identifiers: Orphanet 101108, MedGen C1853250, MONDO:0012449, OMIM 610245.

Allele frequency attached by ClinVar (database versions not stated): 1000 Genomes Project 0.00020; 1000 Genomes Project 30x 0.00031; TOPMed 0.00045; gnomAD 0.00049 and 0.00053.
gnomAD v4.1: 284 of 596,332 alleles (0.048%); highest among the groups gnomAD compares: Admixed American, 0.12%; 1 homozygote.

Submissions (2):

CeGaT Center for Human Genetics Tuebingen
Classification: Benign. Last evaluated: 2022-06-01. Review status: criteria provided, single submitter. Criteria: CeGaT Center For Human Genetics Tuebingen Variant Classification Criteria Version 2. Collection method: clinical testing. Allele origin: germline. Affected: yes. Observed: 1 variant allele.
Comment: PDYN: BS1, BS2

Illumina Laboratory Services, Illumina
Classification: Uncertain significance for Spinocerebellar ataxia type 23. Last evaluated: 2018-01-12. Review status: criteria provided, single submitter. Criteria: ICSL Variant Classification Criteria 13 December 2019. Collection method: clinical testing. Allele origin: germline.